The following is an entry in ClinVar:

NM_001080476.3(GRXCR1):c.272G>T (p.Gly91Val)

Gene: GRXCR1 (glutaredoxin and cysteine rich domain containing 1; plus strand). Cytogenetic location: 4p13.
Variant type: single nucleotide variant.
Coding change: c.272G>T on transcript NM_001080476.3 (MANE Select); coding-DNA position 272, G replaced by T.
Protein change: p.Gly91Val; replaces glycine 91 with valine.
Molecular consequence: missense variant.
Genome position (GRCh38, 1-based): chr4:42,893,538, G>T. VCF-style: chr4-42893538-G-T. GRCh37 (hg19) VCF-style: chr4-42895555-G-T.
Other names: short protein forms G91V.
Identifiers: ClinVar variation 178379 (VCV000178379.54), dbSNP rs113203706, ClinGen allele CA182217.
Genomic context (GRCh38, chr4:42,893,538, plus strand): 5'-ATGAGAATGAGAATGACCAGGATAGCTTGCTGGTGTTAGCAAGGGCTGCCAGTGAGAAGG[G>T]TTTTGGTACAAGAAGAGTCAACATTTTAAGCAAAAATGGCACAGTCAGAGGCGTCAAATA-3'
Protein context (NP_001073945.1, residues 81-101): LVLARAASEK[Gly91Val]FGTRRVNILS

ClinVar aggregate classification (germline): Benign/Likely benign. Review status: criteria provided, multiple submitters, no conflicts (2 of 4 stars). 9 submissions from 9 submitters: Benign (5); Likely benign (3). 1 of the submissions does not count toward it. Last evaluated 2026-02-01.

Conditions:
GRXCR1-related disorder. Also called: GRXCR1-related condition.
Autosomal recessive nonsyndromic hearing loss 25. Identifiers: Orphanet 90636, MedGen C1414017, MONDO:0013210, OMIM 613285.

Allele frequency attached by ClinVar (database versions not stated): 1000 Genomes Project 0.00280; 1000 Genomes Project 30x 0.00281; ESP Exome Variant Server 0.00299; TOPMed 0.00322; gnomAD 0.00339 and 0.00359; gnomAD exomes 0.00443 and 0.00464; ExAC 0.00506.
gnomAD v4.1: 7,104 of 1,613,854 alleles (0.44%); highest among the groups gnomAD compares: Middle Eastern, 1.1%; 39 homozygotes.

Submissions (9):

Labcorp Genetics (formerly Invitae), Labcorp
Classification: Benign. Last evaluated: 2026-02-01. Review status: criteria provided, single submitter. Criteria: Invitae Variant Classification Sherloc (09022015). Collection method: clinical testing. Allele origin: germline.

CeGaT Center for Human Genetics Tuebingen
Classification: Likely benign. Last evaluated: 2025-02-01. Review status: criteria provided, single submitter. Criteria: CeGaT Center For Human Genetics Tuebingen Variant Classification Criteria Version 2. Collection method: clinical testing. Allele origin: germline. Affected: yes. Observed: 4 variant alleles.
Comment: GRXCR1: BP4, BS2

Athena Diagnostics
Classification: Benign. Last evaluated: 2018-11-26. Review status: criteria provided, single submitter. Criteria: Athena Diagnostics Criteria. Collection method: clinical testing. Allele origin: germline.

GeneDx
Classification: Benign. Last evaluated: 2018-07-16. Review status: criteria provided, single submitter. Criteria: GeneDx Variant Classification Process June 2021. Collection method: clinical testing. Allele origin: germline. Affected: yes.
Comment: This variant is associated with the following publications: (PMID: 20137774, 20137778)

Illumina Laboratory Services, Illumina
Classification: Benign for Autosomal recessive nonsyndromic hearing loss 25. Last evaluated: 2017-04-27. Review status: criteria provided, single submitter. Criteria: ICSL Variant Classification Criteria 13 December 2019. Collection method: clinical testing. Allele origin: germline.
Comment: This variant was observed as part of a predisposition screen in an ostensibly healthy population. A literature search was performed for the gene, cDNA change, and amino acid change (where applicable). Publications were found based on this search. The evidence from the literature, in combination with allele frequency data from public databases where available, was sufficient to rule this variant out of causing disease. Therefore, this variant is classified as benign.

Center for Pediatric Genomic Medicine, Children's Mercy Hospital and Clinics
Classification: Likely benign. Last evaluated: 2016-11-07. Review status: criteria provided, single submitter. Criteria: ACMG Guidelines, 2015. Collection method: clinical testing. Allele origin: germline.
ClinVar note: Converted during submission from Likely Benign to Likely benign.

Laboratory for Molecular Medicine, Mass General Brigham Personalized Medicine
Classification: Benign. Last evaluated: 2012-04-30. Review status: criteria provided, single submitter. Criteria: LMM Criteria. Collection method: clinical testing. Allele origin: germline. Observed: 11 variant alleles.
Comment: Gly91Val in Exon 01 of GRXCR1: This variant is not expected to have clinical sig nificance because it has been identified in 0.4% (25/6762) of European American chromosomes from a broad population by the NHLBI Exome Sequencing Project (dbSNP rs113203706).

Breakthrough Genomics
Classification: Likely benign. Review status: criteria provided, single submitter. Criteria: ACMG Guidelines, 2015. Collection method: not provided. Allele origin: germline. Inheritance: Autosomal recessive inheritance. Affected: yes.

PreventionGenetics, part of Exact Sciences
Classification: Benign for GRXCR1-related condition. Last evaluated: 2021-05-06. Review status: no assertion criteria provided. Collection method: clinical testing. Allele origin: germline. Not counted in ClinVar's aggregate classification.
Comment: This variant is classified as benign based on ACMG/AMP sequence variant interpretation guidelines (Richards et al. 2015 PMID: 25741868, with internal and published modifications).

Literature cited by the submitters: PubMed 20137778 (cited by Athena Diagnostics and Illumina Laboratory Services, Illumina); PubMed 20137774 (cited by Athena Diagnostics and Illumina Laboratory Services, Illumina).